The following is an entry in ClinVar:

ClinVar aggregate classification (germline): Pathogenic (1 of 4 stars; one submission).

Conditions:
Multiple congenital exostosis (EXT). Also called: Multiple exostoses; Hereditary multiple osteochondromas; Hereditary multiple exostoses; Hereditary multiple exostosis; Multiple osteochondromas; MULTIPLE CARTILAGINOUS EXOSTOSES. Identifiers: Orphanet 321, MedGen C0015306, MONDO:0005508, HP:0002762.

Submission:

Labcorp Genetics (formerly Invitae), Labcorp
Classification: Pathogenic for Multiple congenital exostosis. Last evaluated: 2022-11-08. Review status: criteria provided, single submitter. Criteria: Invitae Variant Classification Sherloc (09022015). Collection method: clinical testing. Allele origin: germline.
Comment: For these reasons, this variant has been classified as Pathogenic. This variant has not been reported in the literature in individuals affected with EXT1-related conditions. This variant is not present in population databases (gnomAD no frequency). This sequence change creates a premature translational stop signal (p.Tyr170*) in the EXT1 gene. It is expected to result in an absent or disrupted protein product. Loss-of-function variants in EXT1 are known to be pathogenic (PMID: 10679937, 11391482, 19810120).

Literature cited by the submitters: PubMed 10679937; PubMed 11391482; PubMed 19810120.

NM_000127.3(EXT1):c.510T>G (p.Tyr170Ter)

Gene: EXT1 (exostosin glycosyltransferase 1; minus strand). Cytogenetic location: 8q24.11.
Variant type: single nucleotide variant.
Coding change: c.510T>G on transcript NM_000127.3 (MANE Select); coding-DNA position 510, T replaced by G.
Protein change: p.Tyr170Ter; replaces tyrosine 170 with a stop codon.
Molecular consequence: nonsense.
Genome position (GRCh38, 1-based): chr8:118,110,537, A>C on the plus strand (T>G on the coding strand, the complement: EXT1 is on the minus strand). VCF-style: chr8-118110537-A-C. GRCh37 (hg19) VCF-style: chr8-119122776-A-C.
Other names: short protein forms Y170*.
Identifiers: ClinVar variation 2130298 (VCV002130298.4), dbSNP rs2488051750, ClinGen allele CA371915688.